The following is an entry in ClinVar:

NM_001369.3(DNAH5):c.1186_1190delinsA (p.Leu396fs)

Gene: DNAH5 (dynein axonemal heavy chain 5; minus strand). Cytogenetic location: 5p15.2.
Variant type: Indel.
Coding change: c.1186_1190delinsA on transcript NM_001369.3 (MANE Select); coding-DNA positions 1186 to 1190, CTGTT replaced by A.
Protein change: p.Leu396fs; shifts the reading frame from leucine 396.
Molecular consequence: frameshift variant.
Genome position (GRCh38, 1-based): chr5:13,916,355-13,916,359, AACAG replaced by T on the plus strand (CTGTT replaced by A on the coding strand, the reverse complement: DNAH5 is on the minus strand). VCF-style: chr5-13916355-AACAG-T. GRCh37 (hg19) VCF-style: chr5-13916464-AACAG-T.
Other names: short protein forms L396fs.
Identifiers: ClinVar variation 1724513 (VCV001724513.2), dbSNP rs2547134964, ClinGen allele CA2580072094.
Genomic context (GRCh38, chr5:13,916,355, plus strand): 5'-TGATCACTGGCAAAGAAATACAAATGAACATGGACTCTACATCATGCACTTACCTTTACA[AACAG>T]AGATGTGATCTTCTCAGAGGTATTATAGTAATGAGAGATACTATAGATCATTTTAATTGC-3'

ClinVar aggregate classification (germline): Likely pathogenic (1 of 4 stars; one submission).

Conditions:
Primary ciliary dyskinesia 3. Identifiers: Orphanet 244, MedGen C1837618, MONDO:0012085, OMIM 608644.

Submission:

Myriad Genetics, Inc.
Classification: Likely pathogenic for Primary ciliary dyskinesia 3. Last evaluated: 2022-02-17. Review status: criteria provided, single submitter. Criteria: Myriad Women's Health Autosomal Recessive and X-Linked Classification Criteria (2021). Collection method: clinical testing. Allele origin: unknown.
Comment: NM_001369.2(DNAH5):c.1186_1190del5ins1(L396Mfs*2) is expected to be pathogenic in the context of DNAH5-related primary ciliary dyskinesia. This variant is predicted to lead to an abnormal or absent protein product due to the creation of a premature termination codon in DNAH5, a gene where loss-of-function variants are known to be pathogenic. Please note: this variant was assessed in the context of healthy population screening.